The following is an entry in ClinVar:

NM_020533.3(MCOLN1):c.159C>A (p.Cys53Ter)

Gene: MCOLN1 (mucolipin TRP cation channel 1; plus strand). Cytogenetic location: 19p13.2.
Variant type: single nucleotide variant.
Coding change: c.159C>A on transcript NM_020533.3 (MANE Select); coding-DNA position 159, C replaced by A.
Protein change: p.Cys53Ter; replaces cysteine 53 with a stop codon.
Molecular consequence: nonsense.
Genome position (GRCh38, 1-based): chr19:7,525,088, C>A. VCF-style: chr19-7525088-C-A. GRCh37 (hg19) VCF-style: chr19-7589974-C-A.
Other names: c.159C>A (NM_020533.2); short protein forms C53*.
Identifiers: ClinVar variation 1072052 (VCV001072052.8), dbSNP rs776845391, ClinGen allele CA403152796.
Genomic context (GRCh38, chr19:7,525,088, plus strand): 5'-GACACCCCCAGAAGAGGAAGACCTTCGCCGTCGTCTCAAATACTTTTTCATGAGTCCCTG[C>A]GACAAGTTTCGAGCCAAGGGCCGCAAGCCCTGCAAGCTGATGCTGCAAGTGGTCAAGATC-3'

ClinVar aggregate classification (germline): Pathogenic/Likely pathogenic. Review status: criteria provided, multiple submitters, no conflicts (2 of 4 stars). 2 submissions from 2 submitters: Pathogenic (1); Likely pathogenic (1). Last evaluated 2024-11-01.

Conditions:
Mucolipidosis type IV (ML4). Also called: ML IV. Identifiers: Orphanet 578, MedGen C0238286, MONDO:0009653, OMIM 252650.

gnomAD v4.1: 1 of 1,614,150 alleles (0.000062%); highest among the groups gnomAD compares: Non-Finnish European, 0.000085%; no homozygotes.

Submissions (2):

Natera, Inc.
Classification: Likely pathogenic for Mucolipidosis type IV. Last evaluated: 2024-11-01. Review status: criteria provided, single submitter. Criteria: Natera Variant Classification Schema (03/2026). Collection method: clinical testing. Allele origin: germline.
Comment: The c.159C>A variant in MCOLN1 is a nonsense variant predicted to introduce a stop codon at amino acid 53. This variant is expected to result in nonsense mediated decay, truncation, or a dysfunctional protein product. This variant is rare in the general population with a frequency below the threshold expected for the associated phenotype(s). Given the available evidence, this variant is classified as Likely Pathogenic.

Labcorp Genetics (formerly Invitae), Labcorp
Classification: Pathogenic for Mucolipidosis type IV. Last evaluated: 2024-08-14. Review status: criteria provided, single submitter. Criteria: Invitae Variant Classification Sherloc (09022015). Collection method: clinical testing. Allele origin: germline.
Comment: This sequence change creates a premature translational stop signal (p.Cys53*) in the MCOLN1 gene. It is expected to result in an absent or disrupted protein product. Loss-of-function variants in MCOLN1 are known to be pathogenic (PMID: 11030752, 11317355, 37972748). This variant is not present in population databases (gnomAD no frequency). This variant has not been reported in the literature in individuals affected with MCOLN1-related conditions. ClinVar contains an entry for this variant (Variation ID: 1072052). For these reasons, this variant has been classified as Pathogenic.

Literature cited by the submitters: PubMed 11030752 (cited by Labcorp Genetics (formerly Invitae), Labcorp); PubMed 11317355 (cited by Labcorp Genetics (formerly Invitae), Labcorp); PubMed 37972748 (cited by Labcorp Genetics (formerly Invitae), Labcorp).